The following is an entry in ClinVar:

ClinVar aggregate classification (germline): Uncertain significance (1 of 4 stars; one submission).

Conditions:
POLD1-related polyposis and colorectal cancer syndrome (CRCS10). Also called: Colorectal cancer 10; COLORECTAL CANCER, SUSCEPTIBILITY TO, ON CHROMOSOME 19q; Colorectal cancer, susceptibility to, 10. Identifiers: Orphanet 220460, MedGen C2675481, MONDO:0012953, OMIM 612591.

Submission:

Labcorp Genetics (formerly Invitae), Labcorp
Classification: Uncertain significance for POLD1-related polyposis and colorectal cancer syndrome. Last evaluated: 2022-01-06. Review status: criteria provided, single submitter. Criteria: Invitae Variant Classification Sherloc (09022015). Collection method: clinical testing. Allele origin: germline.
Comment: In summary, the available evidence is currently insufficient to determine the role of this variant in disease. Therefore, it has been classified as a Variant of Uncertain Significance. Algorithms developed to predict the effect of missense changes on protein structure and function output the following: SIFT: "Tolerated"; PolyPhen-2: "Benign"; Align-GVGD: "Class C0". The aspartic acid amino acid residue is found in multiple mammalian species, which suggests that this missense change does not adversely affect protein function. ClinVar contains an entry for this variant (Variation ID: 1007247). This variant has not been reported in the literature in individuals affected with POLD1-related conditions. This variant is not present in population databases (gnomAD no frequency). This sequence change replaces asparagine, which is neutral and polar, with aspartic acid, which is acidic and polar, at codon 1010 of the POLD1 protein (p.Asn1010Asp).

NM_002691.4(POLD1):c.3028A>G (p.Asn1010Asp)

Gene: POLD1 (DNA polymerase delta 1, catalytic subunit; plus strand). Cytogenetic location: 19q13.33.
Variant type: single nucleotide variant.
Coding change: c.3028A>G on transcript NM_002691.4 (MANE Select); coding-DNA position 3028, A replaced by G.
Protein change: p.Asn1010Asp; replaces asparagine 1010 with aspartic acid.
Molecular consequence: missense variant. On other transcripts: non-coding transcript variant (1).
Genome position (GRCh38, 1-based): chr19:50,416,684, A>G. VCF-style: chr19-50416684-A-G. GRCh37 (hg19) VCF-style: chr19-50919941-A-G.
Other names: c.3028A>G, p.Asn1010Asp (NM_001256849.1); c.3106A>G, p.Asn1036Asp (NM_001308632.1); short protein forms N1010D, N1036D.
Identifiers: ClinVar variation 1007247 (VCV001007247.8), dbSNP rs2039309366, ClinGen allele CA406986948.
Genomic context (GRCh38, chr19:50,416,684, plus strand): 5'-CGCTGCAAGACGGTGCTCACGGGCAAGGTGGGCGGCCTCCTGGCCTTCGCCAAACGCCGC[A>G]ACTGCTGCATTGGCTGCCGCACAGTGCTCAGCCACCAGGGTGAGCGGCCCTGGCCACTGG-3'
Protein context (NP_002682.2, residues 1000-1020): GGLLAFAKRR[Asn1010Asp]CCIGCRTVLS